The following is an entry in ClinVar:

NM_000094.4(COL7A1):c.1366C>G (p.Pro456Ala)

Gene: COL7A1 (collagen type VII alpha 1 chain; minus strand). Cytogenetic location: 3p21.31.
Variant type: single nucleotide variant.
Coding change: c.1366C>G on transcript NM_000094.4 (MANE Select); coding-DNA position 1366, C replaced by G.
Protein change: p.Pro456Ala; replaces proline 456 with alanine.
Molecular consequence: missense variant.
Genome position (GRCh38, 1-based): chr3:48,591,814, G>C on the plus strand (C>G on the coding strand, the complement: COL7A1 is on the minus strand). VCF-style: chr3-48591814-G-C. GRCh37 (hg19) VCF-style: chr3-48629247-G-C.
Other names: short protein forms P456A.
Identifiers: ClinVar variation 4989090 (VCV004989090.1).

ClinVar aggregate classification (germline): Uncertain significance (1 of 4 stars; one submission).

Conditions:
COL7A1-related disorder. Also called: COL7A1-related condition; COL7A1- related disorders.

Submission:

PreventionGenetics, part of Exact Sciences
Classification: Uncertain significance for COL7A1-related condition. Last evaluated: 2026-06-25. Review status: criteria provided, single submitter. Criteria: ACMG Guidelines, 2015. Collection method: clinical testing. Allele origin: germline.
Comment: The COL7A1 c.1366C>G variant is predicted to result in the amino acid substitution p.Pro456Ala. To our knowledge, this variant has not been reported in the literature or in a large population database (gnomAD), indicating this variant is rare. At this time, the clinical significance of this variant is uncertain due to the absence of conclusive functional and genetic evidence.